The following is an entry in ClinVar:

ClinVar aggregate classification (germline): Uncertain significance (1 of 4 stars; one submission).

Conditions:
Aicardi-Goutieres syndrome 5. Identifiers: Orphanet 51, MedGen C2749659, MONDO:0013059, OMIM 612952.

Submission:

Labcorp Genetics (formerly Invitae), Labcorp
Classification: Uncertain significance for Aicardi-Goutieres syndrome 5. Last evaluated: 2021-09-15. Review status: criteria provided, single submitter. Criteria: Invitae Variant Classification Sherloc (09022015). Collection method: clinical testing. Allele origin: germline.
Comment: This sequence change replaces leucine with glutamine at codon 174 of the SAMHD1 protein (p.Leu174Gln). The leucine residue is highly conserved and there is a moderate physicochemical difference between leucine and glutamine. This variant is not present in population databases (ExAC no frequency). This variant has not been reported in the literature in individuals affected with SAMHD1-related conditions. Algorithms developed to predict the effect of missense changes on protein structure and function are either unavailable or do not agree on the potential impact of this missense change (SIFT: "Deleterious"; PolyPhen-2: "Probably Damaging"; Align-GVGD: "Class C0"). In summary, the available evidence is currently insufficient to determine the role of this variant in disease. Therefore, it has been classified as a Variant of Uncertain Significance.

NM_015474.4(SAMHD1):c.521T>A (p.Leu174Gln)

Gene: SAMHD1 (SAM and HD domain containing deoxynucleoside triphosphate triphosphohydrolase 1; minus strand). Cytogenetic location: 20q11.23.
Variant type: single nucleotide variant.
Coding change: c.521T>A on transcript NM_015474.4 (MANE Select); coding-DNA position 521, T replaced by A.
Protein change: p.Leu174Gln; replaces leucine 174 with glutamine.
Molecular consequence: missense variant.
Genome position (GRCh38, 1-based): chr20:36,930,864, A>T on the plus strand (T>A on the coding strand, the complement: SAMHD1 is on the minus strand). VCF-style: chr20-36930864-A-T. GRCh37 (hg19) VCF-style: chr20-35559267-A-T.
Other names: c.521T>A, p.Leu174Gln (NM_001363729.2, NM_001363733.2); short protein forms L174Q.
Identifiers: ClinVar variation 1423230 (VCV001423230.6), dbSNP rs2146132117, ClinGen allele CA408822357.